The following is an entry in ClinVar:

ClinVar aggregate classification (germline): Pathogenic. Review status: criteria provided, single submitter (1 of 4 stars). 2 submissions from 2 submitters: Pathogenic (1). 1 of the submissions does not count toward it. Last evaluated 2024-07-26.

Conditions:
Wolcott-Rallison dysplasia. Also called: MED-IDDM SYNDROME; Wolcott-Rallison syndrome. Identifiers: Orphanet 1667, MedGen C0432217, MONDO:0009192, OMIM 226980.

Submissions (2):

3billion
Classification: Pathogenic for Wolcott-Rallison dysplasia. Last evaluated: 2024-07-26. Review status: criteria provided, single submitter. Criteria: ACMG Guidelines, 2015. Collection method: clinical testing. Allele origin: germline. Affected: yes.
Comment: The variant is not observed in the gnomAD v4.0.0 dataset. Predicted Consequence/Location: Stop-gained (nonsense): predicted to result in a loss or disruption of normal protein function through nonsense-mediated decay (NMD) or protein truncation. Multiple pathogenic variants are reported downstream of the variant. The variant has been reported at least twice as pathogenic without evidence for the classification (ClinVar ID: VCV000005874 /PMID: 10932183 /3billion dataset). Therefore, this variant is classified as Pathogenic according to the recommendation of ACMG/AMP guideline.

OMIM
Classification: Pathogenic for WOLCOTT-RALLISON SYNDROME. Last evaluated: 2000-08-01. Review status: no assertion criteria provided. Collection method: literature only. Allele origin: germline. Not counted in ClinVar's aggregate classification.

Literature cited by the submitters: PubMed 10932183 (cited by 3billion and OMIM); Nicolino, P. M., Dupin, H., Macebeo, V., Treppoz, S., Chatelain, P. G. Wolcott-Rallison syndrome (diabetes mellitus and spondyloepiphyseal dysplasia) : a plausible existence of a gene(s) important for the mutation of neonatal pancreatic beta cell function. (Abstract) Hormone Res. 50 (suppl. 3): 77-only, 1998. (cited by OMIM).

NM_004836.7(EIF2AK3):c.1035dup (p.Lys346Ter)

Gene: EIF2AK3 (eukaryotic translation initiation factor 2 alpha kinase 3; minus strand). Cytogenetic location: 2p11.2.
Variant type: Duplication.
Coding change: c.1035dup on transcript NM_004836.7 (MANE Select); coding-DNA position 1035, one base duplicated (T; older notation c.1035dupT).
Protein change: p.Lys346Ter; replaces lysine 346 with a stop codon.
Molecular consequence: nonsense.
Genome position (GRCh38, 1-based): chr2:88,590,573, A duplicated on the plus strand (T on the coding strand, the reverse complement: EIF2AK3 is on the minus strand); the first of 2 consecutive A bases (chr2:88,590,573-88,590,574); duplicating either gives the same sequence. VCF-style (leftmost placement, unchanged base first): chr2-88590572-T-TA. GRCh37 (hg19) VCF-style: chr2-88890090-T-TA.
Other names: c.582dup, p.Lys195Ter (NM_001313915.2); short protein forms K346*, K195*.
Identifiers: ClinVar variation 5874 (VCV000005874.3), dbSNP rs869025178, ClinGen allele CA351490.
Genomic context (GRCh38, chr2:88,590,572, plus strand): 5'-CATCATTAGATGTATAACTTGTATCATCAAAAAGACTGATGGGAATGACTTTCCCATCCT[T>TA]AAGTAACCAGGCAGATGCAATTGGAGTACAAAACTAAACAAAAATGGAAAAAAGGTCTTA-3'